The following is an entry in ClinVar:

NM_014391.3(ANKRD1):c.146T>C (p.Leu49Pro)

Gene: ANKRD1 (ankyrin repeat domain 1; minus strand). Cytogenetic location: 10q23.31.
Variant type: single nucleotide variant.
Coding change: c.146T>C on transcript NM_014391.3 (MANE Select); coding-DNA position 146, T replaced by C.
Protein change: p.Leu49Pro; replaces leucine 49 with proline.
Molecular consequence: missense variant.
Genome position (GRCh38, 1-based): chr10:90,920,230, A>G on the plus strand (T>C on the coding strand, the complement: ANKRD1 is on the minus strand). VCF-style: chr10-90920230-A-G. GRCh37 (hg19) VCF-style: chr10-92679987-A-G.
Other names: short protein forms L49P.
Identifiers: ClinVar variation 3703857 (VCV003703857.2).

ClinVar aggregate classification (germline): Uncertain significance (1 of 4 stars; one submission).

Conditions:
ANKRD1-related dilated cardiomyopathy. Identifiers: MedGen CN119551.

Submission:

Labcorp Genetics (formerly Invitae), Labcorp
Classification: Uncertain significance for ANKRD1-related dilated cardiomyopathy. Last evaluated: 2025-11-11. Review status: criteria provided, single submitter. Criteria: Invitae Variant Classification Sherloc (09022015). Collection method: clinical testing. Allele origin: germline.
Comment: This sequence change replaces leucine, which is neutral and non-polar, with proline, which is neutral and non-polar, at codon 49 of the ANKRD1 protein (p.Leu49Pro). This variant is not present in population databases (gnomAD no frequency). This variant has not been reported in the literature in individuals affected with ANKRD1-related conditions. ClinVar contains an entry for this variant (Variation ID: 3703857). Invitae Evidence Modeling of protein sequence and biophysical properties (such as structural, functional, and spatial information, amino acid conservation, physicochemical variation, residue mobility, and thermodynamic stability) indicates that this missense variant is not expected to disrupt ANKRD1 protein function with a negative predictive value of 80%. In summary, the available evidence is currently insufficient to determine the role of this variant in disease. Therefore, it has been classified as a Variant of Uncertain Significance.